The following is an entry in ClinVar:

ClinVar aggregate classification (germline): Pathogenic (1 of 4 stars; one submission).

Conditions:
Aniridia 1 (AN1). Identifiers: Orphanet 250923, MedGen C0344542, MONDO:0024507, OMIM 106210.
Irido-corneo-trabecular dysgenesis (ASGD5). Also called: ANTERIOR SEGMENT DYSGENESIS 5. Identifiers: Orphanet 708, MedGen C0344559, MONDO:0011414, OMIM 604229, HP:0000659.

Submission:

Labcorp Genetics (formerly Invitae), Labcorp
Classification: Pathogenic for Aniridia 1; Irido-corneo-trabecular dysgenesis. Last evaluated: 2025-06-05. Review status: criteria provided, single submitter. Criteria: Invitae Variant Classification Sherloc (09022015). Collection method: clinical testing. Allele origin: germline.
Comment: This variant results in the deletion of part of exon 7 (c.397_523+443del ) of the PAX6 gene. It is expected to disrupt RNA splicing. Variants that disrupt the donor or acceptor splice site typically lead to a loss of protein function (PMID: 16199547), and loss-of-function variants in PAX6 are known to be pathogenic (PMID: 12634864). This variant is not present in population databases (gnomAD no frequency). This variant has been observed in individual(s) with aniridia (internal data). For these reasons, this variant has been classified as Pathogenic.

Literature cited by the submitters: PubMed 16199547; PubMed 12634864.

NM_001368894.2(PAX6):c.439_565+443del

Gene: PAX6 (paired box 6; minus strand). Cytogenetic location: 11p13.
Variant type: Deletion.
Coding change: c.439_565+443del on transcript NM_001368894.2 (MANE Select); coding-DNA position 439 through 443 bases into the intron after coding-DNA position 565, 570 bases deleted.
Molecular consequence: splice donor variant. On other transcripts: initiator codon variant (14).
Genome position (GRCh38, 1-based): chr11:31,800,248-31,800,817, 570 bases deleted. GRCh37 (hg19): chr11:31,821,798-31,822,367.
Other names: c.397_523+443del (NM_001127612.3, NM_001368890.2, NM_001368888.2 and 10 more transcripts); c.238_364+443del (NM_001368921.2, NM_001368923.2, NM_001368926.2 and 4 more transcripts); c.439_565+443del (NM_001258462.3, NM_001310158.2, NM_001258463.2 and 6 more transcripts); c.514_640+443del (NM_001368919.2, NM_001368918.2); c.640_766+443del (NM_001368910.2); c.-12_115+443del (NM_001368909.2, NM_001368904.2, NM_001368905.2 and 11 more transcripts); c.442_568+443del (NM_001368911.2); c.196_322+443del (NM_001368928.2); and 1 more.
Identifiers: ClinVar variation 4785190 (VCV004785190.1).